The following is an entry in ClinVar:

NM_007194.4(CHEK2):c.206_207del (p.Gln69fs)

Gene: CHEK2 (checkpoint kinase 2; minus strand). Cytogenetic location: 22q12.1.
Variant type: Deletion.
Coding change: c.206_207del on transcript NM_007194.4 (MANE Select); coding-DNA positions 206 to 207, 2 bases deleted (AG; older notation c.206_207delAG).
Protein change: p.Gln69fs; shifts the reading frame from glutamine 69.
Molecular consequence: frameshift variant.
Genome position (GRCh38, 1-based): chr22:28,734,515-28,734,516, CT deleted on the plus strand (AG on the coding strand, the reverse complement: CHEK2 is on the minus strand). VCF-style (leftmost placement, unchanged base first): chr22-28734514-CCT-C. GRCh37 (hg19) VCF-style: chr22-29130502-CCT-C.
Other names: c.206_207delAG, p.Gln69Argfs (NM_145862.3, NM_001005735.3, NM_001349956.3); c.-572_-571delAG (NM_001257387.3); short protein forms Q69fs.
Identifiers: ClinVar variation 2583515 (VCV002583515.2), dbSNP rs2518130184, ClinGen allele CA2582342761.
Genomic context (GRCh38, chr22:28,734,514, plus strand): 5'-GGGTAGGCTCCTCAGGTTCTTGGTCCTCAGGTTCTTGGTCCTCAGGAATAGAATAGAGTT[CCT>C]GAGTGGACACTGTCTCTAAGGAGCTCAGTGTCCCAGAGCTGGAGTGAGAGGACTGGCTGG-3'

ClinVar aggregate classification (germline): Pathogenic (1 of 4 stars; one submission).

Conditions:
Familial cancer of breast. Also called: Hereditary breast cancer; BREAST CANCER, FAMILIAL; hereditary breast carcinoma. Identifiers: Orphanet 227535, MedGen C0346153, MONDO:0016419, OMIM 114480. Disease mechanism: loss of function.

Submission:

Myriad Genetics, Inc.
Classification: Pathogenic for Familial cancer of breast. Last evaluated: 2023-06-22. Review status: criteria provided, single submitter. Criteria: Myriad Autosomal Dominant, Autosomal Recessive and X-Linked Classification Criteria (2023). Collection method: clinical testing. Allele origin: unknown.
Comment: This variant is considered pathogenic. This variant creates a frameshift predicted to result in premature protein truncation.